The following is an entry in ClinVar:

ClinVar aggregate classification (germline): Likely benign (0 of 4 stars; one submission).

Conditions:
CREBBP-related disorder. Also called: CREBBP-related condition; CREBBP-related disorders.

Allele frequency attached by ClinVar (database versions not stated): gnomAD exomes below 0.00001; TOPMed 0.00001.
gnomAD v4.1: 7 of 1,614,256 alleles (0.00043%); highest among the groups gnomAD compares: Non-Finnish European, 0.00059%; no homozygotes.

Submission:

PreventionGenetics, part of Exact Sciences
Classification: Likely benign for CREBBP-related condition. Last evaluated: 2022-07-20. Review status: no assertion criteria provided. Collection method: clinical testing. Allele origin: germline.
Comment: This variant is classified as likely benign based on ACMG/AMP sequence variant interpretation guidelines (Richards et al. 2015 PMID: 25741868, with internal and published modifications).

NM_004380.3(CREBBP):c.4827C>T (p.Ser1609=)

Gene: CREBBP (CREB binding lysine acetyltransferase; minus strand). Cytogenetic location: 16p13.3.
Variant type: single nucleotide variant.
Coding change: c.4827C>T on transcript NM_004380.3 (MANE Select); coding-DNA position 4827, C replaced by T.
Protein change: p.Ser1609=; no amino-acid change (serine 1609 retained).
Molecular consequence: synonymous variant.
Genome position (GRCh38, 1-based): chr16:3,731,839, G>A on the plus strand (C>T on the coding strand, the complement: CREBBP is on the minus strand). VCF-style: chr16-3731839-G-A. GRCh37 (hg19) VCF-style: chr16-3781840-G-A.
Other names: c.4713C>T, p.Ser1571= (NM_001079846.1).
Identifiers: ClinVar variation 3036899 (VCV003036899.2), dbSNP rs1034828767, ClinGen allele CA276973530.